The following is an entry in ClinVar:

ClinVar aggregate classification (germline): Conflicting classifications of pathogenicity. Review status: criteria provided, conflicting classifications (1 of 4 stars). 5 submissions from 5 submitters: Uncertain significance (2); Likely benign (2). 1 of the submissions does not count toward it. Last evaluated 2025-05-26.

Conditions:
Breast-ovarian cancer, familial, susceptibility to, 2 (BROVCA2). Also called: BRCA2 Hereditary Breast and Ovarian Cancer. Identifiers: Orphanet 145, MedGen C2675520, MONDO:0012933, OMIM 612555. Disease mechanism: loss of function.
Hereditary breast ovarian cancer syndrome. Also called: Breast and ovarian cancer; Hereditary breast and ovarian cancer; Hereditary breast and ovarian cancer syndrome; BRCA1- and BRCA2-Associated Hereditary Breast and Ovarian Cancer; Hereditary breast and ovarian cancer syndrome (HBOC); Hereditary breast and/or ovarian cancer syndrome. Identifiers: Orphanet 145, MedGen C0677776, MeSH D061325, MONDO:0003582. Disease mechanism: loss of function.
Hereditary cancer-predisposing syndrome. Also called: Tumor predisposition; Hereditary Cancer Syndrome; Neoplastic Syndromes, Hereditary; Hereditary neoplastic syndrome. Identifiers: Orphanet 140162, MedGen C0027672, MeSH D009386, MONDO:0015356.

gnomAD v4.1: 1 of 1,611,980 alleles (0.000062%); highest among the groups gnomAD compares: Admixed American, 0.0017%; no homozygotes.

Submissions (5):

Ambry Genetics
Classification: Likely benign for Hereditary cancer-predisposing syndrome. Last evaluated: 2025-05-26. Review status: criteria provided, single submitter. Criteria: Ambry Variant Classification Scheme 2023. Collection method: clinical testing. Allele origin: germline.

University of Washington Department of Laboratory Medicine, University of Washington
Classification: Likely benign for Hereditary cancer-predisposing syndrome. Last evaluated: 2023-03-23. Review status: criteria provided, single submitter. Criteria: Dines et al. (Genet Med. 2020). Collection method: curation. Allele origin: germline.
Comment: Missense variant in a coldspot region where missense variants are very unlikely to be pathogenic (PMID:31911673).

BRCA2 exon 11 coldspot. Reclassification based on statistical prior probability.

Color Diagnostics, LLC DBA Color Health
Classification: Uncertain significance for Hereditary cancer-predisposing syndrome. Last evaluated: 2022-03-22. Review status: criteria provided, single submitter. Criteria: ACMG Guidelines, 2015. Collection method: clinical testing. Allele origin: germline.
Comment: This missense variant replaces isoleucine with serine at codon 975 of the BRCA2 protein. Computational prediction suggests that this variant may not impact protein structure and function (internally defined REVEL score threshold <= 0.5, PMID: 27666373). To our knowledge, functional studies have not been reported for this variant. This variant has not been reported in individuals affected with hereditary cancer in the literature. This variant has not been identified in the general population by the Genome Aggregation Database (gnomAD). The available evidence is insufficient to determine the role of this variant in disease conclusively. Therefore, this variant is classified as a Variant of Uncertain Significance.

Labcorp Genetics (formerly Invitae), Labcorp
Classification: Uncertain significance for Hereditary breast ovarian cancer syndrome. Last evaluated: 2021-05-31. Review status: criteria provided, single submitter. Criteria: Invitae Variant Classification Sherloc (09022015). Collection method: clinical testing. Allele origin: germline.
Comment: This variant is not present in population databases (ExAC no frequency). This sequence change replaces isoleucine with serine at codon 975 of the BRCA2 protein (p.Ile975Ser). The isoleucine residue is weakly conserved and there is a large physicochemical difference between isoleucine and serine. This variant has not been reported in the literature in individuals with BRCA2-related conditions. ClinVar contains an entry for this variant (Variation ID: 91790). In summary, the available evidence is currently insufficient to determine the role of this variant in disease. Therefore, it has been classified as a Variant of Uncertain Significance. Algorithms developed to predict the effect of sequence changes on RNA splicing suggest that this variant may create or strengthen a splice site, but this prediction has not been confirmed by published transcriptional studies. Advanced modeling of protein sequence and biophysical properties (such as structural, functional, and spatial information, amino acid conservation, physicochemical variation, residue mobility, and thermodynamic stability) performed at Invitae indicates that this missense variant is not expected to disrupt BRCA2 protein function.

Sharing Clinical Reports Project (SCRP)
Classification: Uncertain significance for Breast-ovarian cancer, familial 2. Last evaluated: 2010-10-12. Review status: no assertion criteria provided. Collection method: clinical testing. Allele origin: germline. Not counted in ClinVar's aggregate classification.

NM_000059.4(BRCA2):c.2924T>G (p.Ile975Ser)

Gene: BRCA2 (BRCA2 DNA repair associated; plus strand). Cytogenetic location: 13q13.1.
Variant type: single nucleotide variant.
Coding change: c.2924T>G on transcript NM_000059.4 (MANE Select); coding-DNA position 2924, T replaced by G.
Protein change: p.Ile975Ser; replaces isoleucine 975 with serine.
Molecular consequence: missense variant.
Genome position (GRCh38, 1-based): chr13:32,337,279, T>G. VCF-style: chr13-32337279-T-G. GRCh37 (hg19) VCF-style: chr13-32911416-T-G.
Other names: 3152T>G; short protein forms I975S.
Identifiers: ClinVar variation 91790 (VCV000091790.18), dbSNP rs398122756, ClinGen allele CA016800.
Genomic context (GRCh38, chr13:32,337,279, plus strand): 5'-ACAAAAATAGTGTAAAGCAGCATATAAAAATGACTCTAGGTCAAGATTTAAAATCGGACA[T>G]CTCCTTGAATATAGATAAAATACCAGAAAAAAATAATGATTACATGAACAAATGGGCAGG-3'
Protein context (NP_000050.3, residues 965-985): MTLGQDLKSD[Ile975Ser]SLNIDKIPEK